The following is an entry in ClinVar:

ClinVar aggregate classification (germline): Uncertain significance (1 of 4 stars; one submission).

Submission:

Labcorp Genetics (formerly Invitae), Labcorp
Classification: Uncertain significance. Last evaluated: 2021-04-02. Review status: criteria provided, single submitter. Criteria: Invitae Variant Classification Sherloc (09022015). Collection method: clinical testing. Allele origin: germline.
Comment: In summary, the available evidence is currently insufficient to determine the role of this variant in disease. Therefore, it has been classified as a Variant of Uncertain Significance. Algorithms developed to predict the effect of missense changes on protein structure and function (SIFT, PolyPhen-2, Align-GVGD) all suggest that this variant is likely to be tolerated, but these predictions have not been confirmed by published functional studies and their clinical significance is uncertain. This variant has not been reported in the literature in individuals with SLC7A14-related conditions. This variant is not present in population databases (ExAC no frequency). This sequence change replaces valine with glycine at codon 698 of the SLC7A14 protein (p.Val698Gly). The valine residue is moderately conserved and there is a moderate physicochemical difference between valine and glycine.

NM_020949.3(SLC7A14):c.2093T>G (p.Val698Gly)

Gene: SLC7A14 (solute carrier family 7 member 14; minus strand). Cytogenetic location: 3q26.2.
Variant type: single nucleotide variant.
Coding change: c.2093T>G on transcript NM_020949.3 (MANE Select); coding-DNA position 2093, T replaced by G.
Protein change: p.Val698Gly; replaces valine 698 with glycine.
Molecular consequence: missense variant.
Genome position (GRCh38, 1-based): chr3:170,467,278, A>C on the plus strand (T>G on the coding strand, the complement: SLC7A14 is on the minus strand). VCF-style: chr3-170467278-A-C. GRCh37 (hg19) VCF-style: chr3-170185066-A-C.
Other names: short protein forms V698G.
Identifiers: ClinVar variation 1384013 (VCV001384013.8), dbSNP rs2108261788, ClinGen allele CA355484239.
Genomic context (GRCh38, chr3:170,467,278, plus strand): 5'-TCCTGGCTCTCGCCCTCTGTGGCGTAGGAGAAACCCTCCTCCACTGAGAAGGGGTCATCC[A>C]CGTCGTAGCGTTGGTACGTGCTTTGGTGCAGGGCCTCTTCTCGAGCGCTGATTTCCAGGG-3'
Protein context (NP_066000.2, residues 688-708): LHQSTYQRYD[Val698Gly]DDPFSVEEGF